The following is an entry in ClinVar:

ClinVar aggregate classification (germline): Conflicting classifications of pathogenicity. Review status: criteria provided, conflicting classifications (1 of 4 stars). 3 submissions from 3 submitters: Pathogenic (1); Uncertain significance (2). Last evaluated 2026-03-11.

Conditions:
Hereditary cancer-predisposing syndrome. Also called: Tumor predisposition; Hereditary neoplastic syndrome; Hereditary Cancer Syndrome; Neoplastic Syndromes, Hereditary. Identifiers: Orphanet 140162, MedGen C0027672, MeSH D009386, MONDO:0015356.
Bloom syndrome (BLM). Also called: Bloom-Torre-Machacek syndrome. Identifiers: Orphanet 125, MedGen C0005859, MONDO:0008876, OMIM 210900.

Allele frequency attached by ClinVar (database versions not stated): TOPMed 0.00014.

Submissions (3):

Myriad Genetics, Inc.
Classification: Uncertain significance for Bloom syndrome. Last evaluated: 2026-03-11. Review status: criteria provided, single submitter. Criteria: Myriad Autosomal Dominant, Autosomal Recessive and X-Linked Classification Criteria (2023). Collection method: clinical testing. Allele origin: unknown.
Comment: NM_000057.3(BLM):c.2209C>A(L737M) is a missense variant classified as a variant of uncertain significance in the context of Bloom syndrome. c.2209C>A(L737M) has not been observed in cases with relevant disease. Relevant functional assessments of this variant are not available in the literature. c.2209C>A(L737M) has not been observed in referenced population frequency databases. In summary, there is insufficient evidence to classify NM_000057.3(BLM):c.2209C>A(L737M) as pathogenic or benign. Please note: this variant was assessed in the context of healthy population screening.

Labcorp Genetics (formerly Invitae), Labcorp
Classification: Pathogenic for Bloom syndrome. Last evaluated: 2022-09-30. Review status: criteria provided, single submitter. Criteria: Invitae Variant Classification Sherloc (09022015). Collection method: clinical testing. Allele origin: germline.
Comment: This sequence change creates a premature translational stop signal (p.Leu737Met) in the BLM gene. It is expected to result in an absent or disrupted protein product. Loss-of-function variants in BLM are known to be pathogenic (PMID: 17407155). This variant is not present in population databases (gnomAD no frequency). This variant has not been reported in the literature in individuals affected with BLM-related conditions. Advanced modeling of protein sequence and biophysical properties (such as structural, functional, and spatial information, amino acid conservation, physicochemical variation, residue mobility, and thermodynamic stability) performed at Invitae indicates that this missense variant is not expected to disrupt BLM protein function. For these reasons, this variant has been classified as Pathogenic.

Ambry Genetics
Classification: Uncertain significance for Hereditary cancer-predisposing syndrome. Last evaluated: 2022-07-01. Review status: criteria provided, single submitter. Criteria: Ambry Variant Classification Scheme 2023. Collection method: clinical testing. Allele origin: germline.
Comment: The p.L737M variant (also known as c.2209C>A), located in coding exon 9 of the BLM gene, results from a C to A substitution at nucleotide position 2209. The leucine at codon 737 is replaced by methionine, an amino acid with highly similar properties. This amino acid position is conserved. In addition, this alteration is predicted to be tolerated by in silico analysis. Since supporting evidence is limited at this time, the clinical significance of this alteration remains unclear.

Literature cited by the submitters: PubMed 17407155 (cited by Labcorp Genetics (formerly Invitae), Labcorp).

NM_000057.4(BLM):c.2209C>A (p.Leu737Met)

Gene: BLM (BLM RecQ like helicase; plus strand). Cytogenetic location: 15q26.1.
Variant type: single nucleotide variant.
Coding change: c.2209C>A on transcript NM_000057.4 (MANE Select); coding-DNA position 2209, C replaced by A.
Protein change: p.Leu737Met; replaces leucine 737 with methionine.
Molecular consequence: missense variant.
Genome position (GRCh38, 1-based): chr15:90,766,925, C>A. VCF-style: chr15-90766925-C-A. GRCh37 (hg19) VCF-style: chr15-91310155-C-A.
Other names: c.2209C>A, p.Leu737Met (NM_001287246.2, NM_001287247.2); c.1084C>A, p.Leu362Met (NM_001287248.2); short protein forms L362M, L737M.
Identifiers: ClinVar variation 1787730 (VCV001787730.6), dbSNP rs901867383, ClinGen allele CA274741644.